The following is an entry in ClinVar:

NM_001845.6(COL4A1):c.1724C>T (p.Ser575Leu)

Gene: COL4A1 (collagen type IV alpha 1 chain; minus strand). Cytogenetic location: 13q34.
Variant type: single nucleotide variant.
Coding change: c.1724C>T on transcript NM_001845.6 (MANE Select); coding-DNA position 1724, C replaced by T.
Protein change: p.Ser575Leu; replaces serine 575 with leucine.
Molecular consequence: missense variant.
Genome position (GRCh38, 1-based): chr13:110,187,142, G>A on the plus strand (C>T on the coding strand, the complement: COL4A1 is on the minus strand). VCF-style: chr13-110187142-G-A. GRCh37 (hg19) VCF-style: chr13-110839489-G-A.
Other names: short protein forms S575L.
Identifiers: ClinVar variation 2195957 (VCV002195957.5), dbSNP rs1878438357, ClinGen allele CA388722853.

ClinVar aggregate classification (germline): Uncertain significance. Review status: criteria provided, multiple submitters, no conflicts (2 of 4 stars). 2 submissions from 2 submitters: Uncertain significance (2). Last evaluated 2025-01-07.

Allele frequency attached by ClinVar (database versions not stated): TOPMed below 0.00001.
gnomAD v4.1: 6 of 1,613,932 alleles (0.00037%); highest among the groups gnomAD compares: African/African-American, 0.0013%; no homozygotes.

Submissions (2):

Revvity Omics, Revvity
Classification: Uncertain significance. Last evaluated: 2025-01-07. Review status: criteria provided, single submitter. Criteria: ACMG Guidelines, 2015. Collection method: clinical testing. Allele origin: germline.

Labcorp Genetics (formerly Invitae), Labcorp
Classification: Uncertain significance. Last evaluated: 2024-09-16. Review status: criteria provided, single submitter. Criteria: Invitae Variant Classification Sherloc (09022015). Collection method: clinical testing. Allele origin: germline.
Comment: This sequence change replaces serine, which is neutral and polar, with leucine, which is neutral and non-polar, at codon 575 of the COL4A1 protein (p.Ser575Leu). This variant is not present in population databases (gnomAD no frequency). This variant has not been reported in the literature in individuals affected with COL4A1-related conditions. ClinVar contains an entry for this variant (Variation ID: 2195957). An algorithm developed to predict the effect of missense changes on protein structure and function (PolyPhen-2) suggests that this variant is likely to be tolerated. In summary, the available evidence is currently insufficient to determine the role of this variant in disease. Therefore, it has been classified as a Variant of Uncertain Significance.